The following is an entry in ClinVar:

NM_001167931.2(IL1RAP):c.2001C>A (p.Ile667=)

Gene: IL1RAP (interleukin 1 receptor accessory protein; plus strand). Cytogenetic location: 3q28.
Variant type: single nucleotide variant.
Coding change: c.2001C>A on transcript NM_001167931.2; coding-DNA position 2001, C replaced by A.
Protein change: p.Ile667=; no amino-acid change (isoleucine 667 retained).
Molecular consequence: synonymous variant.
Genome position (GRCh38, 1-based): chr3:190,656,544, C>A. VCF-style: chr3-190656544-C-A. GRCh37 (hg19) VCF-style: chr3-190374333-C-A.
Other names: c.2001C>A, p.Ile667= (NM_001364879.1).
Identifiers: ClinVar variation 4823328 (VCV004823328.4).
Genomic context (GRCh38, chr3:190,656,544, plus strand): 5'-AGAGTCAGAAACTCAATGGATACAAAATGGCACCAGATTGGAACCCCCTGCTCCCCAGAT[C>A]TCAGCCCTTGCTCTTCATCATTTCACGGACTTATCCAATAACAACGACTTTTATATCCTA-3'

ClinVar aggregate classification (germline): Likely benign (1 of 4 stars; one submission).

Submission:

CeGaT Center for Human Genetics Tuebingen
Classification: Likely benign. Last evaluated: 2026-02-01. Review status: criteria provided, single submitter. Criteria: CeGaT Center For Human Genetics Tuebingen Variant Classification Criteria Version 2. Collection method: clinical testing. Allele origin: germline. Affected: yes. Observed: 1 variant allele.
Comment: IL1RAP: PM2:Supporting, BP4, BP7